The following is an entry in ClinVar:

ClinVar aggregate classification (germline): Likely benign (0 of 4 stars; one submission).

Conditions:
SLC17A9-related disorder. Also called: SLC17A9-related condition.

Allele frequency attached by ClinVar (database versions not stated): 1000 Genomes Project 0.00020; 1000 Genomes Project 30x 0.00031; gnomAD exomes 0.00001; TOPMed 0.00001; ExAC 0.00002; gnomAD 0.00003.
gnomAD v4.1: 17 of 1,613,996 alleles (0.0011%); highest among the groups gnomAD compares: East Asian, 0.0045%; no homozygotes.

Submission:

PreventionGenetics, part of Exact Sciences
Classification: Likely benign for SLC17A9-related condition. Last evaluated: 2020-11-20. Review status: no assertion criteria provided. Collection method: clinical testing. Allele origin: germline.
Comment: This variant is classified as likely benign based on ACMG/AMP sequence variant interpretation guidelines (Richards et al. 2015 PMID: 25741868, with internal and published modifications).

NM_022082.4(SLC17A9):c.543C>T (p.Tyr181=)

Gene: SLC17A9 (solute carrier family 17 member 9; plus strand). Cytogenetic location: 20q13.33.
Variant type: single nucleotide variant.
Coding change: c.543C>T on transcript NM_022082.4 (MANE Select); coding-DNA position 543, C replaced by T.
Protein change: p.Tyr181=; no amino-acid change (tyrosine 181 retained).
Molecular consequence: synonymous variant.
Genome position (GRCh38, 1-based): chr20:62,962,669, C>T. VCF-style: chr20-62962669-C-T. GRCh37 (hg19) VCF-style: chr20-61594021-C-T.
Other names: c.525C>T, p.Tyr175= (NM_001302643.2).
Identifiers: ClinVar variation 3039531 (VCV003039531.2), dbSNP rs200256067, ClinGen allele CA9952938.
Genomic context (GRCh38, chr20:62,962,669, plus strand): 5'-CCCCTGTCTTTGCAGGACGCTGCTGACCGGGGCGGTGGGCTCCCTGCTCCTGGAATGGTA[C>T]GGCTGGCAGAGCATCTTCTATTTCTCCGGCGGCCTCACCTTGCTTTGGGTGTGGTACGTG-3'
Protein context (NP_071365.4, residues 171-191): GAVGSLLLEW[Tyr181=]GWQSIFYFSG